The following is an entry in ClinVar:

NM_144997.7(FLCN):c.-161G>A

Gene: FLCN (folliculin; minus strand). Cytogenetic location: 17p11.2.
Variant type: single nucleotide variant.
Coding change: c.-161G>A on transcript NM_144997.7 (MANE Select); 161 bases upstream of the start codon, G replaced by A.
Molecular consequence: 5 prime UTR variant.
Genome position (GRCh38, 1-based): chr17:17,232,835, C>T on the plus strand (G>A on the coding strand, the complement: FLCN is on the minus strand). VCF-style: chr17-17232835-C-T. GRCh37 (hg19) VCF-style: chr17-17136149-C-T.
Other names: c.-161G>A (NM_001353229.2, NM_144606.7); c.-444G>A (NM_001353230.2); c.-360G>A (NM_001353231.2).
Identifiers: ClinVar variation 3053281 (VCV003053281.2), dbSNP rs2047463162, ClinGen allele CA981917859.
Genomic context (GRCh38, chr17:17,232,835, plus strand): 5'-CACCCACACTAACCTGACACTCAGCAGAATCACGCTTCCACCGTCCACACCAGACCACCA[C>T]ACACGAGGCTGCTGCCAAATGGGTCAGGCATGGTGGTGGCAGACACCCTTGAAGACCTGG-3'

ClinVar aggregate classification (germline): Likely benign (0 of 4 stars; one submission).

Conditions:
FLCN-related disorder. Also called: FLCN-related condition.

Allele frequency attached by ClinVar (database versions not stated): gnomAD 0.00002; 1000 Genomes Project 30x 0.00016.
gnomAD v4.1: 3 of 152,648 alleles (0.002%); highest among the groups gnomAD compares: South Asian, 0.062%; no homozygotes.

Submission:

PreventionGenetics, part of Exact Sciences
Classification: Likely benign for FLCN-related condition. Last evaluated: 2024-02-15. Review status: no assertion criteria provided. Collection method: clinical testing. Allele origin: germline.
Comment: This variant is classified as likely benign based on ACMG/AMP sequence variant interpretation guidelines (Richards et al. 2015 PMID: 25741868, with internal and published modifications).